The following is an entry in ClinVar:

NM_206933.4(USH2A):c.12497_13811+148del

Gene: USH2A (usherin; minus strand). Cytogenetic location: 1q41.
Variant type: Deletion.
Coding change: c.12497_13811+148del on transcript NM_206933.4 (MANE Select); coding-DNA position 12497 through 148 bases into the intron after coding-DNA position 13811, 1,463 bases deleted.
Molecular consequence: splice donor variant.
Genome position (GRCh38, 1-based): chr1:215,673,952-215,675,414, 1,463 bases deleted. GRCh37 (hg19): chr1:215,847,295-215,848,757.
Identifiers: ClinVar variation 938237 (VCV000938237.1), ClinGen allele CA1139656543.

ClinVar aggregate classification (germline): Pathogenic (1 of 4 stars; one submission).

Submission:

Labcorp Genetics (formerly Invitae), Labcorp
Classification: Pathogenic. Last evaluated: 2019-10-01. Review status: criteria provided, single submitter. Criteria: Invitae Variant Classification Sherloc (09022015). Collection method: clinical testing. Allele origin: germline.
Comment: This variant results in the deletion of part of exon 63 (c.12497_13811+148del) of the USH2A gene. It is expected to disrupt RNA splicing and likely results in an absent or disrupted protein product. This variant has not been reported in the literature in individuals with USH2A-related conditions. This variant disrupts the p.Thr4337 amino acid residue in USH2A. Other variant(s) that disrupt this residue have been determined to be pathogenic (PMID: 17085681, 29588463, 28944237, Invitae). This suggests that this residue is clinically significant, and that variants that disrupt this residue are likely to be disease-causing. Loss-of-function variants in USH2A are known to be pathogenic (PMID: 10729113, 10909849, 20507924, 25649381). For these reasons, this variant has been classified as Pathogenic.

Literature cited by the submitters: PubMed 29588463; PubMed 28944237; PubMed 17085681.